The following is an entry in ClinVar:

NM_012144.4(DNAI1):c.1292A>C (p.His431Pro)

Gene: DNAI1 (dynein axonemal intermediate chain 1; plus strand). Cytogenetic location: 9p13.3.
Variant type: single nucleotide variant.
Coding change: c.1292A>C on transcript NM_012144.4 (MANE Select); coding-DNA position 1292, A replaced by C.
Protein change: p.His431Pro; replaces histidine 431 with proline.
Molecular consequence: missense variant.
Genome position (GRCh38, 1-based): chr9:34,506,855, A>C. VCF-style: chr9-34506855-A-C. GRCh37 (hg19) VCF-style: chr9-34506853-A-C.
Other names: c.1304A>C, p.His435Pro (NM_001281428.2); short protein forms H431P, H435P.
Identifiers: ClinVar variation 5003883 (VCV005003883.1).
Genomic context (GRCh38, chr9:34,506,855, plus strand): 5'-ACAACCTCAAGAAGCCCCACTCCCAGCCCTCCTTCTGCAGCTCAGCCAAGTCTGGCAAGC[A>C]CTCAGACCCTGTGTGGCAGGTCAGCAACCAGGCTGGGAGGGGTGGGGATGGGAGCAGCAT-3'
Protein context (NP_036276.1, residues 421-441): SFCSSAKSGK[His431Pro]SDPVWQVKWQ

ClinVar aggregate classification (germline): Uncertain significance (1 of 4 stars; one submission).

Conditions:
Kartagener syndrome (CILD1). Also called: POLYNESIAN BRONCHIECTASIS; CILIARY DYSKINESIA, PRIMARY, 1; CILIARY DYSKINESIA, PRIMARY, 1, WITH OR WITHOUT SITUS INVERSUS; IMMOTILE CILIA SYNDROME; Dextrocardia bronchiectasis and sinusitis; SIEWERT SYNDROME. Identifiers: Orphanet 244, MedGen C4551906, MONDO:0009484, OMIM 244400.

Submission:

Myriad Genetics, Inc.
Classification: Uncertain significance for Kartagener syndrome. Last evaluated: 2026-01-02. Review status: criteria provided, single submitter. Criteria: Myriad Autosomal Dominant, Autosomal Recessive and X-Linked Classification Criteria (2023). Collection method: clinical testing. Allele origin: unknown.
Comment: NM_012144.2(DNAI1):c.1292A>C(H431P) is a missense variant classified as a variant of uncertain significance in the context of primary ciliary dyskinesia, DNAI1-related. H431P has been observed in a case with relevant disease (PMID: 35869935). Relevant functional assessments of this variant are not available in the literature. H431P has not been observed in referenced population frequency databases. In summary, there is insufficient evidence to classify NM_012144.2(DNAI1):c.1292A>C(H431P) as pathogenic or benign. Please note: this variant was assessed in the context of healthy population screening.

Literature cited by the submitters: PubMed 35869935.